The following is an entry in ClinVar:

ClinVar aggregate classification (germline): Uncertain significance. Review status: criteria provided, multiple submitters, no conflicts (2 of 4 stars). 4 submissions from 4 submitters: Uncertain significance (3). 1 of the submissions does not count toward it. Last evaluated 2023-12-07.

Conditions:
Autosomal recessive limb-girdle muscular dystrophy type 2B (LGMDR2). Also called: Limb-girdle muscular dystrophy, type 2B; MUSCULAR DYSTROPHY, LIMB-GIRDLE, AUTOSOMAL RECESSIVE 2; MUSCULAR DYSTROPHY, LIMB-GIRDLE, TYPE 3; Limb-Girdle Muscular Dystrophy Type 2B (LGMD2B). Identifiers: Orphanet 268, MedGen C1850889, MONDO:0009676, OMIM 253601.
Distal myopathy with anterior tibial onset. Identifiers: Orphanet 178400, MedGen C1847532, MONDO:0011721, OMIM 606768.
Miyoshi muscular dystrophy 1 (MMD1). Identifiers: Orphanet 45448, MedGen C4551973, MONDO:0024545, OMIM 254130.
Neuromuscular disease caused by qualitative or quantitative defects of dysferlin. Also called: Dysferlinopathy; Qualitative or quantitative defects of dysferlin. Identifiers: Orphanet 207073, MedGen C2931687, MONDO:0016145.

Allele frequency attached by ClinVar (database versions not stated): ExAC 0.00001; TOPMed 0.00001; gnomAD exomes 0.00002.

Submissions (4):

Labcorp Genetics (formerly Invitae), Labcorp
Classification: Uncertain significance for Neuromuscular disease caused by qualitative or quantitative defects of dysferlin. Last evaluated: 2023-12-07. Review status: criteria provided, single submitter. Criteria: Invitae Variant Classification Sherloc (09022015). Collection method: clinical testing. Allele origin: germline.
Comment: This sequence change replaces arginine, which is basic and polar, with histidine, which is basic and polar, at codon 230 of the DYSF protein (p.Arg230His). This variant is present in population databases (rs764849844, gnomAD 0.005%). This variant has not been reported in the literature in individuals affected with DYSF-related conditions. ClinVar contains an entry for this variant (Variation ID: 971899). Advanced modeling of protein sequence and biophysical properties (such as structural, functional, and spatial information, amino acid conservation, physicochemical variation, residue mobility, and thermodynamic stability) has been performed at Invitae for this missense variant, however the output from this modeling did not meet the statistical confidence thresholds required to predict the impact of this variant on DYSF protein function. In summary, the available evidence is currently insufficient to determine the role of this variant in disease. Therefore, it has been classified as a Variant of Uncertain Significance.

Fulgent Genetics
Classification: Uncertain significance for Autosomal recessive limb-girdle muscular dystrophy type 2B; Miyoshi muscular dystrophy 1; Distal myopathy with anterior tibial onset. Last evaluated: 2021-10-04. Review status: criteria provided, single submitter. Criteria: ACMG Guidelines, 2015. Collection method: clinical testing. Allele origin: unknown.

Athena Diagnostics
Classification: Uncertain significance. Last evaluated: 2020-10-15. Review status: criteria provided, single submitter. Criteria: Athena Diagnostics criteria. Collection method: clinical testing. Allele origin: unknown.

Natera, Inc.
Classification: Uncertain significance for Limb-girdle muscular dystrophy type 2B. Last evaluated: 2020-04-23. Review status: no assertion criteria provided. Collection method: clinical testing. Allele origin: germline. Not counted in ClinVar's aggregate classification.

NM_001130987.2(DYSF):c.785G>A (p.Arg262His)

Gene: DYSF (dysferlin; plus strand). Cytogenetic location: 2p13.2.
Variant type: single nucleotide variant.
Coding change: c.785G>A on transcript NM_001130987.2 (MANE Select); coding-DNA position 785, G replaced by A.
Protein change: p.Arg262His; replaces arginine 262 with histidine.
Molecular consequence: missense variant.
Genome position (GRCh38, 1-based): chr2:71,515,648, G>A. VCF-style: chr2-71515648-G-A. GRCh37 (hg19) VCF-style: chr2-71742778-G-A.
Other names: c.692G>A, p.Arg231His (NM_001130455.2, NM_001130983.2, NM_001130984.2 and 1 more transcripts); c.689G>A, p.Arg230His (NM_001130976.2, NM_001130977.2, NM_001130978.2 and 1 more transcripts); c.782G>A, p.Arg261His (NM_001130979.2, NM_001130980.2, NM_001130981.2); c.785G>A, p.Arg262His (NM_001130982.2, NM_001130985.2); short protein forms R262H, R230H, R231H, R261H.
Identifiers: ClinVar variation 971899 (VCV000971899.7), dbSNP rs764849844, ClinGen allele CA1705460.
Genomic context (GRCh38, chr2:71,515,648, plus strand): 5'-CCTTCCTCCTGCTCTTTCCTCCTTCTGGCTTTCAGATCAGGGTCCAGGTGATCGAGGGGC[G>A]CCAGCTGCCGGGGGTGAACATCAAGCCTGTGGTCAAGGTTACCGCTGCAGGGCAGACCAA-3'
Protein context (NP_001124459.1, residues 252-272): FQIRVQVIEG[Arg262His]QLPGVNIKPV